The following is an entry in ClinVar:

ClinVar aggregate classification (germline): Conflicting classifications of pathogenicity. Review status: criteria provided, conflicting classifications (1 of 4 stars). 7 submissions from 7 submitters: Pathogenic (5); Uncertain significance (1). 1 of the submissions does not count toward it. Last evaluated 2025-12-01.

Conditions:
Inborn genetic diseases. Identifiers: MedGen C0950123, MeSH D030342.
Gillespie syndrome (GLSP). Also called: Aniridia, cerebellar ataxia, and mental deficiency; Aniridia-cerebellar ataxia-intellectual disability syndrome. Identifiers: Orphanet 1065, MedGen C0431401, MONDO:0008795, OMIM 206700.
Spinocerebellar ataxia type 29 (SCA29). Also called: CEREBELLAR ATAXIA, CONGENITAL NONPROGRESSIVE, AUTOSOMAL DOMINANT; Spinocerebellar ataxia 29, congenital nonprogressive. Identifiers: Orphanet 208513, MedGen C1861732, MONDO:0007298, OMIM 117360.
ITPR1-related disorder. Also called: ITPR1-related condition.

Submissions (7):

3billion
Classification: Pathogenic for ITPR1-related disorder. Last evaluated: 2025-12-01. Review status: criteria provided, single submitter. Criteria: ACMG Guidelines, 2015. Collection method: clinical testing. Allele origin: germline. Affected: yes.
Comment: The variant is not observed in the gnomAD v4.1.0 dataset. Predicted Consequence/Location: Missense variant. Missense changes are a common disease-causing mechanism. In silico tool predictions suggest damaging effect of the variant on gene or gene product [REVEL: 0.87 (>=0.6, sensitivity 0.68 and specificity 0.92); 3Cnet: 0.90 (> 0.75, sensitivity 0.96 and precision 0.92)]. The same nucleotide change resulting in the same amino acid change has been previously reported as pathogenic/likely pathogenic with strong evidence (ClinVar ID: VCV001350168 /PMID: 27572814). Different missense changes at the same codon (p.Arg36His, p.Arg36Pro) have been reported as pathogenic/likely pathogenic with strong evidence (ClinVar ID: VCV000372854 /PMID: 38711238 /3billion dataset). Therefore, this variant is classified as Pathogenic according to the recommendation of ACMG/AMP guideline.

MVZ Martinsried, Medicover Genetics
Classification: Pathogenic for Gillespie syndrome. Last evaluated: 2023-12-22. Review status: criteria provided, single submitter. Criteria: ACGS Guidelines, 2020. Collection method: clinical testing. Allele origin: de novo. Affected: yes.

Labcorp Genetics (formerly Invitae), Labcorp
Classification: Pathogenic. Last evaluated: 2023-10-19. Review status: criteria provided, single submitter. Criteria: Invitae Variant Classification Sherloc (09022015). Collection method: clinical testing. Allele origin: germline.
Comment: This sequence change replaces arginine, which is basic and polar, with cysteine, which is neutral and slightly polar, at codon 36 of the ITPR1 protein (p.Arg36Cys). This variant is not present in population databases (gnomAD no frequency). This missense change has been observed in individual(s) with clinical features of spinocerebellar ataxia (PMID: 27572814, 28620721). In at least one individual the variant was observed to be de novo. It has also been observed to segregate with disease in related individuals. ClinVar contains an entry for this variant (Variation ID: 1350168). Advanced modeling of protein sequence and biophysical properties (such as structural, functional, and spatial information, amino acid conservation, physicochemical variation, residue mobility, and thermodynamic stability) performed at Invitae indicates that this missense variant is expected to disrupt ITPR1 protein function. Experimental studies have shown that this missense change affects ITPR1 function (PMID: 28620721). For these reasons, this variant has been classified as Pathogenic.

Women's Health and Genetics/Laboratory Corporation of America, LabCorp
Classification: Pathogenic for Spinocerebellar ataxia type 29. Last evaluated: 2023-05-17. Review status: criteria provided, single submitter. Criteria: LabCorp Variant Classification Summary - May 2015. Collection method: clinical testing. Allele origin: germline.
Comment: Variant summary: ITPR1 c.106C>T (p.Arg36Cys) results in a non-conservative amino acid change located in the Inositol 1,4,5-trisphosphate/ryanodine receptor domain (IPR014821) of the encoded protein sequence. Five of five in-silico tools predict a damaging effect of the variant on protein function. The variant was absent in 249140 control chromosomes (gnomAD). c.106C>T has been reported in the literature in individuals affected with clinical symptoms suggestive of Spinocerebellar Ataxia 29 (Kuperberg_2016, Casey_2017, Knuutinen_2021), and in several of these cases the variant occurred de novo. These data indicate that the variant is likely to be associated with disease. One of these publications also reported experimental evidence evaluating an impact on protein function, and demonstrated that the variant resulted in a higher IP3 binding affinity and increased calcium release, suggesting a gain-of-function disease mechanism (Casey_2017). The following publications have been ascertained in the context of this evaluation (PMID: 37164302, 28620721, 27572814, 33948933). Three submitters have provided clinical-significance assessments for this variant in ClinVar after 2014, and classified the variant as pathogenic (n=2) or VUS (n=1). Based on the evidence outlined above, the variant was classified as pathogenic.

GeneDx
Classification: Pathogenic. Last evaluated: 2023-05-08. Review status: criteria provided, single submitter. Criteria: GeneDx Variant Classification Process June 2021. Collection method: clinical testing. Allele origin: germline. Affected: yes.
Comment: Not observed at significant frequency in large population cohorts (gnomAD); In silico analysis supports that this missense variant has a deleterious effect on protein structure/function; This variant is associated with the following publications: (PMID: 30197841, 35621185, 29777722, 28620721, 29906486, 27572814)

Ambry Genetics
Classification: Uncertain significance for Inborn genetic diseases. Last evaluated: 2022-05-27. Review status: criteria provided, single submitter. Criteria: Ambry Variant Classification Scheme 2023. Collection method: clinical testing. Allele origin: germline.
Comment: The c.106C>T (p.R36C) alteration is located in exon 4 (coding exon 2) of the ITPR1 gene. This alteration results from a C to T substitution at nucleotide position 106, causing the arginine (R) at amino acid position 36 to be replaced by a cysteine (C). This variant was not reported in population-based cohorts in the Genome Aggregation Database (gnomAD). This alteration was reported in a mother and her two children with autosomal dominant spinocerebellar ataxia characterized by early motor delay, poor coordination, gait ataxia, and dysarthria (Casey, 2017). Their study proposed a gain-of -function mechanism of disease that resulted in a higher IP3 binding affinity and enhanced calcium release. This amino acid position is highly conserved in available vertebrate species. This alteration is predicted to be deleterious by in silico analysis. Based on insufficient or conflicting evidence, the clinical significance of this alteration remains unclear.

OMIM
Classification: Pathogenic for SPINOCEREBELLAR ATAXIA 29. Last evaluated: 2023-01-11. Review status: no assertion criteria provided. Collection method: literature only. Allele origin: germline. Not counted in ClinVar's aggregate classification.

Literature cited by the submitters: PubMed 38711238 (cited by 3billion); PubMed 27572814 (cited by 4 submitters); PubMed 28620721 (cited by 4 submitters); PubMed 33948933 (cited by Women's Health and Genetics/Laboratory Corporation of America, LabCorp); PubMed 37164302 (cited by Women's Health and Genetics/Laboratory Corporation of America, LabCorp).

NM_001378452.1(ITPR1):c.106C>T (p.Arg36Cys)

Gene: ITPR1 (inositol 1,4,5-trisphosphate receptor type 1; plus strand). Cytogenetic location: 3p26.1.
Variant type: single nucleotide variant.
Coding change: c.106C>T on transcript NM_001378452.1 (MANE Select); coding-DNA position 106, C replaced by T.
Protein change: p.Arg36Cys; replaces arginine 36 with cysteine.
Molecular consequence: missense variant.
Genome position (GRCh38, 1-based): chr3:4,521,037, C>T. VCF-style: chr3-4521037-C-T. GRCh37 (hg19) VCF-style: chr3-4562721-C-T.
Other names: c.106C>T (NM_002222.5); c.106C>T, p.Arg36Cys (NM_001099952.4, NM_001168272.2, NM_002222.7); short protein forms R36C.
Identifiers: ClinVar variation 1350168 (VCV001350168.12), dbSNP rs2124927471, ClinGen allele CA351794379.